The following is an entry in ClinVar:

NM_002474.3(MYH11):c.2058+6G>T

Gene: MYH11 (myosin heavy chain 11; minus strand). Cytogenetic location: 16p13.11.
Variant type: single nucleotide variant.
Coding change: c.2058+6G>T on transcript NM_002474.3 (MANE Select); 6 bases into the intron after coding-DNA position 2058, G replaced by T.
Molecular consequence: intron variant.
Genome position (GRCh38, 1-based): chr16:15,750,132, C>A on the plus strand (G>T on the coding strand, the complement: MYH11 is on the minus strand). VCF-style: chr16-15750132-C-A. GRCh37 (hg19) VCF-style: chr16-15843989-C-A.
Other names: c.2058+6G>T (NM_022844.3); c.2079+6G>T (NM_001040114.2, NM_001040113.2).
Identifiers: ClinVar variation 1005785 (VCV001005785.7), dbSNP rs1262982015, ClinGen allele CA621181413.

ClinVar aggregate classification (germline): Uncertain significance (1 of 4 stars; one submission).

Conditions:
Aortic aneurysm, familial thoracic 4 (AAT4). Also called: AORTIC ANEURYSM/AORTIC DISSECTION AND PATENT DUCTUS ARTERIOSUS. Identifiers: MedGen C1851504, MONDO:0007568, OMIM 132900.

Allele frequency attached by ClinVar (database versions not stated): gnomAD 0.00001.
gnomAD v4.1: 1 of 1,613,992 alleles (0.000062%); highest among the groups gnomAD compares: East Asian, 0.0022%; no homozygotes.

Submission:

Labcorp Genetics (formerly Invitae), Labcorp
Classification: Uncertain significance for Aortic aneurysm, familial thoracic 4. Last evaluated: 2020-02-05. Review status: criteria provided, single submitter. Criteria: Invitae Variant Classification Sherloc (09022015). Collection method: clinical testing. Allele origin: germline.
Comment: In summary, the available evidence is currently insufficient to determine the role of this variant in disease. Therefore, it has been classified as a Variant of Uncertain Significance. Nucleotide substitutions within the consensus splice site are a relatively common cause of aberrant splicing (PMID: 17576681, 9536098). Algorithms developed to predict the effect of sequence changes on RNA splicing suggest that this variant is not likely to affect RNA splicing, but this prediction has not been confirmed by published transcriptional studies. This variant has not been reported in the literature in individuals with MYH11-related conditions. This variant is not present in population databases (ExAC no frequency). This sequence change falls in intron 17 of the MYH11 gene. It does not directly change the encoded amino acid sequence of the MYH11 protein, but it affects a nucleotide within the consensus splice site of the intron.

Literature cited by the submitters: PubMed 17576681; PubMed 9536098.